The following is an entry in ClinVar:

ClinVar aggregate classification (somatic clinical impact): Tier I - Strong. Review status: criteria provided, single submitter (1 of 4 stars). 2 submissions from 1 submitter. Last evaluated 2025-10-05.

Conditions:
Diffuse pediatric-type high-grade glioma, H3-wildtype and IDH-wildtype. Identifiers: MedGen C5669918, MONDO:0858939.
Primary brain neoplasm. Identifiers: MedGen C0750974, MONDO:0021632.

Submissions (2):

Institute for Genomic Medicine (IGM) Clinical Laboratory, Nationwide Children's Hospital
Classification: Tier I - Strong for Primary brain neoplasm. Assertion type: diagnostic. Clinical significance: supports diagnosis. Last evaluated: 2025-10-05. Review status: criteria provided, single submitter. Criteria: AMP/ASCO/CAP Guidelines, 2017. Collection method: clinical testing. Allele origin: somatic. Affected: yes.
Comment: Variant has Tier I (strong) clinical significance as a diagnostic inclusion criterion in primary brain neoplasm, based on the following evidence: 1) Documented in one or more cancer databases (e.g., St. Jude Pecan, COSMIC, CIViC, OncoKB). 2) Information in the literature supports potential biologic effect of variant (PMID: 15928335). 3) Diagnostic for a specific tumor type/classification based on well-powered studies with expert-level consensus (Evidence Level B; PMIDs: 27582545, 24705251, 25230881, 28966033, 29763623, 24705250).

Institute for Genomic Medicine (IGM) Clinical Laboratory, Nationwide Children's Hospital
Classification: Tier I - Strong for Diffuse pediatric-type high-grade glioma, H3-wildtype and IDH-wildtype. Assertion type: diagnostic. Clinical significance: supports diagnosis. Last evaluated: 2023-09-25. Review status: criteria provided, single submitter. Criteria: AMP/ASCO/CAP Guidelines, 2017. Collection method: clinical testing. Allele origin: somatic. Affected: yes.
Comment: Variant has Tier I (strong) clinical significance as a diagnostic inclusion criterion in diffuse pediatric-type high-grade glioma, H3-wildtype and IDH-wildtype, based on the following evidence: 1) Documented in one or more cancer databases (e.g., St. Jude Pecan, COSMIC, CIViC, OncoKB). 2) Appears in one or more well-established professional guidelines (e.g., World Health Organization [WHO]; National Comprehensive Cancer Network [NCCN]) as providing diagnostic, prognostic, or therapeutic information. 3) Information in the literature supports potential biologic effect of variant (PMID: 15928335). 4) Diagnostic for a specific tumor type/classification based on well-powered studies with expert-level consensus (Evidence Level B; PMIDs: 29763623, 24705250, 28966033, 24705251, 27582545).

Literature cited by the submitters: PubMed 15928335; PubMed 27582545; PubMed 24705251; PubMed 25230881; PubMed 28966033; PubMed 29763623; PubMed 24705250.

NM_006206.6(PDGFRA):c.1977C>A (p.Asn659Lys)

Gene: PDGFRA (platelet derived growth factor receptor alpha; plus strand). Cytogenetic location: 4q12.
Variant type: single nucleotide variant.
Coding change: c.1977C>A on transcript NM_006206.6 (MANE Select); coding-DNA position 1977, C replaced by A.
Protein change: p.Asn659Lys; replaces asparagine 659 with lysine.
Molecular consequence: missense variant.
Genome position (GRCh38, 1-based): chr4:54,277,981, C>A. VCF-style: chr4-54277981-C-A. GRCh37 (hg19) VCF-style: chr4-55144148-C-A.
Other names: c.1977C>A, p.Asn659Lys (NM_001347827.2, NM_001347829.2); c.2052C>A, p.Asn684Lys (NM_001347828.2); c.2016C>A, p.Asn672Lys (NM_001347830.2); short protein forms N659K, N684K, N672K.
Identifiers: ClinVar variation 4530334 (VCV004530334.1), dbSNP rs1057519700.